The following is an entry in ClinVar:

ClinVar aggregate classification (germline): Uncertain significance. Review status: criteria provided, multiple submitters, no conflicts (2 of 4 stars). 4 submissions from 4 submitters: Uncertain significance (4). Last evaluated 2025-09-28.

Conditions:
Inborn genetic diseases. Identifiers: MedGen C0950123, MeSH D030342.

Allele frequency attached by ClinVar (database versions not stated): ESP Exome Variant Server 0.00008; gnomAD 0.00003; ExAC 0.00001; TOPMed 0.00005.
gnomAD v4.1: 7 of 1,613,572 alleles (0.00043%); highest among the groups gnomAD compares: African/African-American, 0.0094%; no homozygotes.

Submissions (4):

Labcorp Genetics (formerly Invitae), Labcorp
Classification: Uncertain significance. Last evaluated: 2025-09-28. Review status: criteria provided, single submitter. Criteria: Invitae Variant Classification Sherloc (09022015). Collection method: clinical testing. Allele origin: germline.
Comment: This sequence change replaces proline, which is neutral and non-polar, with alanine, which is neutral and non-polar, at codon 295 of the SAMD9 protein (p.Pro295Ala). The frequency data for this variant in the population databases is considered unreliable, as metrics indicate poor data quality at this position in the gnomAD database. This variant has not been reported in the literature in individuals affected with SAMD9-related conditions. ClinVar contains an entry for this variant (Variation ID: 1517327). Invitae Evidence Modeling of protein sequence and biophysical properties (such as structural, functional, and spatial information, amino acid conservation, physicochemical variation, residue mobility, and thermodynamic stability) indicates that this missense variant is not expected to disrupt SAMD9 protein function with a negative predictive value of 95%. In summary, the available evidence is currently insufficient to determine the role of this variant in disease. Therefore, it has been classified as a Variant of Uncertain Significance.

Women's Health and Genetics/Laboratory Corporation of America, LabCorp
Classification: Uncertain significance. Last evaluated: 2025-09-04. Review status: criteria provided, single submitter. Criteria: LabCorp Variant Classification Summary - May 2015. Collection method: clinical testing. Allele origin: germline.
Comment: Variant summary: SAMD9 c.883C>G (p.Pro295Ala) results in a non-conservative amino acid change in the encoded protein sequence. Algorithms developed to predict the effect of missense changes on protein structure and function are either unavailable or do not agree on the potential impact of this missense change. The variant allele was found at a frequency of 4e-06 in 251078 control chromosomes. The available data on variant occurrences in the general population are insufficient to allow any conclusion about variant significance. To our knowledge, no occurrence of c.883C>G in individuals affected with SAMD9-related conditions and no experimental evidence demonstrating its impact on protein function have been reported. ClinVar contains an entry for this variant (Variation ID: 1517327). Based on the evidence outlined above, the variant was classified as uncertain significance.

Ambry Genetics
Classification: Uncertain significance for Inborn genetic diseases. Last evaluated: 2024-12-03. Review status: criteria provided, single submitter. Criteria: Ambry Variant Classification Scheme 2023. Collection method: clinical testing. Allele origin: germline.
Comment: The p.P295A variant (also known as c.883C>G), located in coding exon 1 of the SAMD9 gene, results from a C to G substitution at nucleotide position 883. The proline at codon 295 is replaced by alanine, an amino acid with highly similar properties. This amino acid position is conserved. In addition, this alteration is predicted to be tolerated by in silico analysis. Based on the available evidence, the clinical significance of this variant remains unclear.

GeneDx
Classification: Uncertain significance. Last evaluated: 2023-10-24. Review status: criteria provided, single submitter. Criteria: GeneDx Variant Classification Process June 2021. Collection method: clinical testing. Allele origin: germline.
Comment: Not observed at significant frequency in large population cohorts (gnomAD); In silico analysis supports that this missense variant does not alter protein structure/function; Has not been previously published as pathogenic or benign to our knowledge; This variant is associated with the following publications: (PMID: 28545555)

NM_017654.4(SAMD9):c.883C>G (p.Pro295Ala)

Gene: SAMD9 (sterile alpha motif domain containing 9; minus strand). Cytogenetic location: 7q21.2.
Variant type: single nucleotide variant.
Coding change: c.883C>G on transcript NM_017654.4 (MANE Select); coding-DNA position 883, C replaced by G.
Protein change: p.Pro295Ala; replaces proline 295 with alanine.
Molecular consequence: missense variant.
Genome position (GRCh38, 1-based): chr7:93,105,215, G>C on the plus strand (C>G on the coding strand, the complement: SAMD9 is on the minus strand). VCF-style: chr7-93105215-G-C. GRCh37 (hg19) VCF-style: chr7-92734528-G-C.
Other names: c.883C>G, p.Pro295Ala (NM_001193307.2); short protein forms P295A.
Identifiers: ClinVar variation 1517327 (VCV001517327.10), dbSNP rs150846245, ClinGen allele CA4343064.